The following is an entry in ClinVar:

ClinVar aggregate classification (germline): Uncertain significance. Review status: criteria provided, multiple submitters, no conflicts (2 of 4 stars). 2 submissions from 2 submitters: Uncertain significance (2). Last evaluated 2024-01-06.

Conditions:
Hereditary cancer-predisposing syndrome. Also called: Neoplastic Syndromes, Hereditary; Tumor predisposition; Hereditary Cancer Syndrome; Hereditary neoplastic syndrome. Identifiers: Orphanet 140162, MedGen C0027672, MeSH D009386, MONDO:0015356.

Allele frequency attached by ClinVar (database versions not stated): gnomAD exomes below 0.00001.
gnomAD v4.1: 2 of 1,612,666 alleles (0.00012%); highest among the groups gnomAD compares: Non-Finnish European, 0.000085%; no homozygotes.

Submissions (2):

Labcorp Genetics (formerly Invitae), Labcorp
Classification: Uncertain significance. Last evaluated: 2024-01-06. Review status: criteria provided, single submitter. Criteria: Invitae Variant Classification Sherloc (09022015). Collection method: clinical testing. Allele origin: germline.
Comment: This sequence change replaces valine, which is neutral and non-polar, with leucine, which is neutral and non-polar, at codon 747 of the MSH3 protein (p.Val747Leu). This variant is not present in population databases (gnomAD no frequency). This variant has not been reported in the literature in individuals affected with MSH3-related conditions. ClinVar contains an entry for this variant (Variation ID: 1788232). An algorithm developed to predict the effect of missense changes on protein structure and function (PolyPhen-2) suggests that this variant is likely to be disruptive. In summary, the available evidence is currently insufficient to determine the role of this variant in disease. Therefore, it has been classified as a Variant of Uncertain Significance.

Ambry Genetics
Classification: Uncertain significance for Hereditary cancer-predisposing syndrome. Last evaluated: 2023-07-26. Review status: criteria provided, single submitter. Criteria: Ambry Variant Classification Scheme 2023. Collection method: clinical testing. Allele origin: germline.
Comment: The p.V747L variant (also known as c.2239G>C), located in coding exon 15 of the MSH3 gene, results from a G to C substitution at nucleotide position 2239. The valine at codon 747 is replaced by leucine, an amino acid with highly similar properties. This amino acid position is highly conserved in available vertebrate species. In addition, the in silico prediction for this alteration is inconclusive. Since supporting evidence is limited at this time, the clinical significance of this alteration remains unclear.

NM_002439.5(MSH3):c.2239G>C (p.Val747Leu)

Gene: MSH3 (mutS homolog 3; plus strand). Cytogenetic location: 5q14.1.
Variant type: single nucleotide variant.
Coding change: c.2239G>C on transcript NM_002439.5 (MANE Select); coding-DNA position 2239, G replaced by C.
Protein change: p.Val747Leu; replaces valine 747 with leucine.
Molecular consequence: missense variant.
Genome position (GRCh38, 1-based): chr5:80,768,989, G>C. VCF-style: chr5-80768989-G-C. GRCh37 (hg19) VCF-style: chr5-80064808-G-C.
Other names: short protein forms V747L.
Identifiers: ClinVar variation 1788232 (VCV001788232.8), dbSNP rs1280047371, ClinGen allele CA360279771.
Genomic context (GRCh38, chr5:80,768,989, plus strand): 5'-CGAATGCATTTGCAAGAAATACGAAAAATACTAAAAAATCCTTCTGCACAATATGTGACA[G>C]TATCAGGACAGGAGGTAATGTCAAGCTTACTTTTATTTTCTATTAGTTTTACTCTAGTAG-3'
Protein context (NP_002430.3, residues 737-757): LKNPSAQYVT[Val747Leu]SGQEFMIEIK